The following is an entry in ClinVar:

NC_000019.9:g.(?_54625743)_(54626193_?)del

Gene: PRPF31 (pre-mRNA processing factor 31; plus strand). Cytogenetic location: 19q13.42.
Variant type: Deletion.
Identifiers: ClinVar variation 1460192 (VCV001460192.7).

ClinVar aggregate classification (germline): Pathogenic (1 of 4 stars; one submission).

Submission:

Labcorp Genetics (formerly Invitae), Labcorp
Classification: Pathogenic. Last evaluated: 2020-12-04. Review status: criteria provided, single submitter. Criteria: Invitae Variant Classification Sherloc (09022015). Collection method: clinical testing. Allele origin: germline.
Comment: For these reasons, this variant has been classified as Pathogenic. This variant has not been reported in the literature in individuals with PRPF31-related conditions. This variant is a gross deletion of the genomic region encompassing exon(s) 5 of the PRPF31 gene. This deletion is out-of-frame, and is expected to create a premature translational stop signal and result in an absent or disrupted protein product. Loss-of-function variants in PRPF31 are known to be pathogenic (PMID: 18317597, 23950152).

Literature cited by the submitters: PubMed 18317597; PubMed 23950152.